The following is an entry in ClinVar:

ClinVar aggregate classification (germline): Uncertain significance. Review status: criteria provided, multiple submitters, no conflicts (2 of 4 stars). 5 submissions from 5 submitters: Uncertain significance (5). Last evaluated 2025-08-20.

Conditions:
Cardiac arrhythmia. Also called: Arrhythmia; Cardiac rhythm disease. Identifiers: MedGen C0003811, MONDO:0007263, HP:0011675.
Cardiovascular phenotype. Identifiers: MedGen CN230736.
Long QT syndrome (LQTS). Identifiers: MedGen C0023976, MeSH D008133, MONDO:0002442. Disease mechanism: loss of function. Inheritance: Various modes of inheritance.

Allele frequency attached by ClinVar (database versions not stated): gnomAD exomes 0.00001; 1000 Genomes Project 0.00020; ExAC 0.00001; gnomAD 0.00001.
gnomAD v4.1: 16 of 1,359,860 alleles (0.0012%); highest among the groups gnomAD compares: East Asian, 0.017%; no homozygotes.

Submissions (5):

Ambry Genetics
Classification: Uncertain significance for Cardiovascular phenotype. Last evaluated: 2025-08-20. Review status: criteria provided, single submitter. Criteria: Ambry Variant Classification Scheme 2023. Collection method: clinical testing. Allele origin: germline.
Comment: The p.V794I variant (also known as c.2380G>A), located in coding exon 9 of the KCNH2 gene, results from a G to A substitution at nucleotide position 2380. The valine at codon 794 is replaced by isoleucine, an amino acid with highly similar properties. This amino acid position is not well conserved in available vertebrate species. In addition, the in silico prediction for this alteration is inconclusive. Since supporting evidence is limited at this time, the clinical significance of this alteration remains unclear.

All of Us Research Program, National Institutes of Health
Classification: Uncertain significance for Long QT syndrome. Last evaluated: 2024-06-17. Review status: criteria provided, single submitter. Criteria: ACMG Guidelines, 2015. Collection method: clinical testing. Allele origin: germline. Inheritance: Autosomal dominant inheritance. Observed: 5 variant alleles, 5 heterozygotes.
Comment: This missense variant replaces valine with isoleucine at codon 794 of the KCNH2 protein. Computational prediction is inconclusive regarding the impact of this variant on protein structure and function (internally defined REVEL score threshold 0.5 < inconclusive < 0.7, PMID: 27666373). To our knowledge, functional studies have not been reported for this variant. This variant has not been reported in individuals affected with cardiovascular disorders in the literature. This variant has been identified in 4/281582 chromosomes in the general population by the Genome Aggregation Database (gnomAD). The available evidence is insufficient to determine the role of this variant in disease conclusively. Therefore, this variant is classified as a Variant of Uncertain Significance.

This study involves interpretation of variants in research participants for the purpose of population health screening. Participant phenotype was not available at the time of variant classification. Additional details can be found in publication PMID: 35346344, PMCID: PMC8962531

Color Diagnostics, LLC DBA Color Health
Classification: Uncertain significance for Cardiac arrhythmia. Last evaluated: 2024-06-07. Review status: criteria provided, single submitter. Criteria: ACMG Guidelines, 2015. Collection method: clinical testing. Allele origin: germline.
Comment: This missense variant replaces valine with isoleucine at codon 794 of the KCNH2 protein. Computational prediction is inconclusive regarding the impact of this variant on protein structure and function (internally defined REVEL score threshold 0.5 < inconclusive < 0.7, PMID: 27666373). To our knowledge, functional studies have not been reported for this variant. This variant has been reported in an individual affected epilepsy (PMID: 31696929). This variant has been identified in 4/281582 chromosomes in the general population by the Genome Aggregation Database (gnomAD). The available evidence is insufficient to determine the role of this variant in disease conclusively. Therefore, this variant is classified as a Variant of Uncertain Significance.

Labcorp Genetics (formerly Invitae), Labcorp
Classification: Uncertain significance for Long QT syndrome. Last evaluated: 2023-04-09. Review status: criteria provided, single submitter. Criteria: Invitae Variant Classification Sherloc (09022015). Collection method: clinical testing. Allele origin: germline.
Comment: Algorithms developed to predict the effect of missense changes on protein structure and function output the following: SIFT: "Not Available"; PolyPhen-2: "Benign"; Align-GVGD: "Not Available". The isoleucine amino acid residue is found in multiple mammalian species, which suggests that this missense change does not adversely affect protein function. ClinVar contains an entry for this variant (Variation ID: 200434). This variant has not been reported in the literature in individuals affected with KCNH2-related conditions. This variant is present in population databases (rs565006344, gnomAD 0.005%). This sequence change replaces valine, which is neutral and non-polar, with isoleucine, which is neutral and non-polar, at codon 794 of the KCNH2 protein (p.Val794Ile). In summary, the available evidence is currently insufficient to determine the role of this variant in disease. Therefore, it has been classified as a Variant of Uncertain Significance.

GeneDx
Classification: Uncertain significance. Last evaluated: 2013-10-30. Review status: criteria provided, single submitter. Criteria: GeneDx Variant Classification (06012015). Collection method: clinical testing. Allele origin: germline. Affected: yes.
Comment: p.Val794Ile (GTC>ATC): c.2380 G>A in exon 9 of the KCNH2 gene (NM_000238.2)The Val794Ile variant in the KCNH2 gene has not been reported as a disease-causing mutation or as a benign polymorphism to our knowledge. Val794Ile results in a conservative amino acid substitution of one non-polar amino acid with another at a position that is conserved across species. In silico analysis predicts Val794Ile is probably damaging to the protein structure/function. Mutations in nearby residues (Ile789Thr, Arg791Trp, Gly800Trp) have been reported in association with LQTS, supporting the functional importance of this region of the protein. The Val794Ile variant was not observed in approximately 6,500 individuals of European and African American ancestry in the NHLBI Exome Sequencing Project, indicating it is not a common benign variant in these populations.With the clinical and molecular information available at this time, we cannot definitively determine if Val794Ile is a disease-causing mutation or a rare benign variant. The variant is found in LQT panel(s).

Literature cited by the submitters: PubMed 31696929 (cited by Color Diagnostics, LLC DBA Color Health).

NM_000238.4(KCNH2):c.2380G>A (p.Val794Ile)

Gene: KCNH2 (potassium voltage-gated channel subfamily H member 2; minus strand). Cytogenetic location: 7q36.1.
Variant type: single nucleotide variant.
Coding change: c.2380G>A on transcript NM_000238.4 (MANE Select); coding-DNA position 2380, G replaced by A.
Protein change: p.Val794Ile; replaces valine 794 with isoleucine.
Molecular consequence: missense variant.
Genome position (GRCh38, 1-based): chr7:150,950,186, C>T on the plus strand (G>A on the coding strand, the complement: KCNH2 is on the minus strand). VCF-style: chr7-150950186-C-T. GRCh37 (hg19) VCF-style: chr7-150647274-C-T.
Other names: p.V794I:GTC>ATC; c.1360G>A, p.Val454Ile (NM_001204798.2, NM_172057.3); c.2092G>A, p.Val698Ile (NM_001406753.1, NM_001406756.1); c.2203G>A, p.Val735Ile (NM_001406755.1); c.2080G>A, p.Val694Ile (NM_001406757.1); c.2380G>A, p.Val794Ile (NM_172056.3); short protein forms V454I, V794I, V735I, V694I, V698I.
Identifiers: ClinVar variation 200434 (VCV000200434.21), dbSNP rs565006344, ClinGen allele CA006534.